The following is an entry in ClinVar:

NM_000179.3(MSH6):c.2511C>G (p.His837Gln)

Gene: MSH6 (mutS homolog 6; plus strand). Cytogenetic location: 2p16.3.
Variant type: single nucleotide variant.
Coding change: c.2511C>G on transcript NM_000179.3 (MANE Select); coding-DNA position 2511, C replaced by G.
Protein change: p.His837Gln; replaces histidine 837 with glutamine.
Molecular consequence: missense variant.
Genome position (GRCh38, 1-based): chr2:47,800,494, C>G. VCF-style: chr2-47800494-C-G. GRCh37 (hg19) VCF-style: chr2-48027633-C-G.
Other names: p.H837Q:CAC>CAG; c.2121C>G, p.His707Gln (NM_001281492.2); c.1605C>G, p.His535Gln (NM_001281493.2, NM_001281494.2); short protein forms H837Q, H535Q, H707Q.
Identifiers: ClinVar variation 127572 (VCV000127572.45), dbSNP rs587779925, ClinGen allele CA010333.

ClinVar aggregate classification (germline): Conflicting classifications of pathogenicity. Review status: criteria provided, conflicting classifications (1 of 4 stars). 13 submissions from 13 submitters: Uncertain significance (9); Likely benign (2). 2 of the submissions do not count toward it. Last evaluated 2026-06-15.

Conditions:
Hereditary nonpolyposis colorectal neoplasms. Identifiers: MedGen C0009405, MeSH D003123.
Hereditary cancer-predisposing syndrome. Also called: Tumor predisposition; Hereditary neoplastic syndrome; Hereditary Cancer Syndrome; Neoplastic Syndromes, Hereditary. Identifiers: Orphanet 140162, MedGen C0027672, MeSH D009386, MONDO:0015356.
Lynch syndrome. Identifiers: Orphanet 144, MedGen C4552100, MONDO:0005835. Disease mechanism: loss of function.
Lynch syndrome 5 (LYNCH5). Also called: Colorectal cancer, hereditary nonpolyposis, type 5; Hereditary non-polyposis colorectal cancer, type 5. Identifiers: Orphanet 144, MedGen C1833477, MONDO:0013710, OMIM 614350. Disease mechanism: loss of function.
Endometrial carcinoma. Also called: Endometrial carcinoma, somatic. Identifiers: MedGen C0476089, MONDO:0002447, OMIM 608089, HP:0012114.
Malignant tumor of breast. Also called: Malignant breast neoplasm; Cancer breast. Identifiers: MedGen C0006142, MONDO:0007254. Disease mechanism: loss of function.

Allele frequency attached by ClinVar (database versions not stated): gnomAD exomes 0.00002; ExAC 0.00004; TOPMed 0.00002.
gnomAD v4.1: 89 of 1,612,826 alleles (0.0055%); highest among the groups gnomAD compares: African/African-American, 0.0094%; no homozygotes.

Submissions (13):

Ambry Genetics
Classification: Uncertain significance for Hereditary cancer-predisposing syndrome. Last evaluated: 2026-06-15. Review status: criteria provided, single submitter. Criteria: Ambry Variant Classification Scheme 2023. Collection method: clinical testing. Allele origin: germline.

Labcorp Genetics (formerly Invitae), Labcorp
Classification: Likely benign for Hereditary nonpolyposis colorectal neoplasms. Last evaluated: 2026-01-10. Review status: criteria provided, single submitter. Criteria: Invitae Variant Classification Sherloc (09022015). Collection method: clinical testing. Allele origin: germline.

Color Diagnostics, LLC DBA Color Health
Classification: Uncertain significance for Hereditary cancer-predisposing syndrome. Last evaluated: 2025-11-19. Review status: criteria provided, single submitter. Criteria: ACMG Guidelines, 2015. Collection method: clinical testing. Allele origin: germline.
Comment: This missense variant replaces histidine with glutamine at codon 837 of the MSH6 protein. Computational prediction suggests that this variant may have deleterious impact on protein structure and function. To our knowledge, functional studies have not been reported for this variant. This variant has not been reported in individuals affected with MSH6-related disorders in the literature. This variant has been identified in 89/1612826 chromosomes in the general population by the Genome Aggregation Database (gnomAD). The available evidence is insufficient to determine the role of this variant in disease conclusively. Therefore, this variant is classified as a Variant of Uncertain Significance.

GeneDx
Classification: Uncertain significance. Last evaluated: 2025-10-01. Review status: criteria provided, single submitter. Criteria: GeneDx Variant Classification Process June 2021. Collection method: clinical testing. Allele origin: germline. Affected: yes.
Comment: In silico analysis supports that this missense variant has a deleterious effect on protein structure/function; Observed in individuals with breast cancer (PMID: 25186627, 34326862); This variant is associated with the following publications: (PMID: 25186627, 21120944, 17531815, 34326862)

All of Us Research Program, National Institutes of Health
Classification: Uncertain significance for Lynch syndrome. Last evaluated: 2024-08-13. Review status: criteria provided, single submitter. Criteria: ACMG Guidelines, 2015. Collection method: clinical testing. Allele origin: germline. Inheritance: Autosomal dominant inheritance. Observed: 12 variant alleles, 12 heterozygotes.
Comment: This missense variant replaces histidine with glutamine at codon 837 of the MSH6 protein. Computational prediction suggests that this variant may have deleterious impact on protein structure and function (internally defined REVEL score threshold >= 0.7, PMID: 27666373). To our knowledge, functional studies have not been reported for this variant. This variant has been reported in an individual affected with breast cancer (PMID: 25186627). This variant has been identified in 6/248300 chromosomes in the general population by the Genome Aggregation Database (gnomAD). The available evidence is insufficient to determine the role of this variant in disease conclusively. Therefore, this variant is classified as a Variant of Uncertain Significance.

This study involves interpretation of variants in research participants for the purpose of population health screening. Participant phenotype was not available at the time of variant classification. Additional details can be found in publication PMID: 35346344, PMCID: PMC8962531

Blueprint Genetics
Classification: Uncertain significance. Last evaluated: 2024-07-30. Review status: criteria provided, single submitter. Criteria: ACMG Guidelines, 2015. Collection method: clinical testing. Allele origin: germline.

Women's Health and Genetics/Laboratory Corporation of America, LabCorp
Classification: Uncertain significance. Last evaluated: 2024-07-05. Review status: criteria provided, single submitter. Criteria: LabCorp Variant Classification Summary - May 2015. Collection method: clinical testing. Allele origin: germline.
Comment: Variant summary: MSH6 c.2511C>G (p.His837Gln) results in a non-conservative amino acid change located in the DNA mismatch repair protein MutS, core domain (IPR007696) of the encoded protein sequence. Five of five in-silico tools predict a damaging effect of the variant on protein function. The variant allele was found at a frequency of 2.4e-05 in 248300 control chromosomes. The available data on variant occurrences in the general population are insufficient to allow any conclusion about variant significance. c.2511C>G has been reported in the literature in individuals affected with hereditary breast cancer, one of whom also carried a heterozygous variant of uncertain significance in BRCA2 (e.g. Tung_2015, Bhai_2021). This report does not provide unequivocal conclusions about association of the variant with Lynch Syndrome. Co-occurrence with another pathogenic variant has been reported (MLH1 c.1381A>T, p.K461X; internal sample), providing supporting evidence for a benign role. To our knowledge, no experimental evidence demonstrating an impact on protein function has been reported. The following publications have been ascertained in the context of this evaluation (PMID: 34326862, 25186627). ClinVar contains an entry for this variant (Variation ID: 127572). Based on the evidence outlined above, the variant was classified as uncertain significance.

Molecular Pathology, Peter Maccallum Cancer Centre
Classification: Uncertain significance for Lynch syndrome 5. Last evaluated: 2024-06-26. Review status: criteria provided, single submitter. Criteria: ACMG Guidelines, 2015. Collection method: clinical testing. Allele origin: germline. Inheritance: Autosomal dominant inheritance.

Quest Diagnostics Nichols Institute San Juan Capistrano
Classification: Uncertain significance. Last evaluated: 2024-04-01. Review status: criteria provided, single submitter. Criteria: Quest Diagnostics criteria. Collection method: clinical testing. Allele origin: unknown.
Comment: The MSH6 c.2511C>G (p.His837Gln) variant has been reported in the published literature in individuals with breast cancer (PMID: 34326862 (2021), 25186627 (2015)). The frequency of this variant in the general population, 0.000045 (5/112258 chromosomes (Genome Aggregation Database)), is uninformative in the assessment of its pathogenicity. Analysis of this variant using bioinformatics tools for the prediction of the effect of amino acid changes on protein structure and function yielded predictions that this variant is damaging. Based on the available information, we are unable to determine the clinical significance of this variant.

Baylor Genetics
Classification: Uncertain significance for Endometrial carcinoma. Last evaluated: 2024-01-26. Review status: criteria provided, single submitter. Criteria: ACMG Guidelines, 2015. Collection method: clinical testing. Allele origin: unknown.

Myriad Genetics, Inc.
Classification: Likely benign for Lynch syndrome 5. Last evaluated: 2023-03-29. Review status: criteria provided, single submitter. Criteria: Myriad Autosomal Dominant, Autosomal Recessive and X-Linked Classification Criteria (2023). Collection method: clinical testing. Allele origin: unknown.
Comment: This variant is considered likely benign. This variant has been observed in trans with a known pathogenic variant in one or more individuals lacking clinical features consistent with gene-specific recessive disease.

Counsyl
Classification: Uncertain significance for Lynch syndrome 5. Last evaluated: 2015-12-18. Review status: no assertion criteria provided. Collection method: clinical testing. Allele origin: unknown. Not counted in ClinVar's aggregate classification.

Department of Pathology and Laboratory Medicine, Sinai Health System
Classification: Uncertain significance for Malignant tumor of breast. Review status: no assertion criteria provided. Collection method: clinical testing. Allele origin: unknown. Affected: yes. Study: The Canadian Open Genetics Repository (COGR). Not counted in ClinVar's aggregate classification.
Comment: The MSH6 p.His837Gln variant was not identified in the literature nor was it identified in the GeneInsight-COGR, COSMIC, MutDB, UMD-LSDB, Insight Colon Cancer Gene Variant Database, Zhejiang Colon Cancer Database, Mismatch Repair Genes Variant Database, or Insight Hereditary Tumors databases. The variant was identified in dbSNP (ID: rs587779925) as â€šÃ„ÃºWith Uncertain significance alleleâ€šÃ„Ã¹, and in the ClinVar and Clinvitae databases (4x classified as uncertain significance by GeneDx, Ambry Genetics, Invitae, Counsyl). The variant was identified in control databases in 6 of 244020 chromosomes at a frequency of 0.000025 (Genome Aggregation Database Feb 27, 2017). Breakdown of the observations by population include African in 1 of 15214 chromosomes (freq: 0.000066), European Non-Finnish in 5 of 110424 chromosomes (freq: 0.000045), while the variant was not observed in the Other, Latino, Ashkenazi Jewish, East Asian, European Finnish, and South Asian populations. The p.His837Gln residue is conserved across mammals and other organisms, and four out of five computational analyses (PolyPhen-2, SIFT, AlignGVGD, BLOSUM, MutationTaster) suggest that the variant may impact the protein; however, this information is not predictive enough to assume pathogenicity. The variant occurs outside of the splicing consensus sequence and 1 of 5 in silico or computational prediction software programs (SpliceSiteFinder, MaxEntScan, NNSPLICE, GeneSplicer, HumanSpliceFinder) predict a greater than 10% difference in splicing; this is not very predictive of pathogenicity. In summary, based on the above information the clinical significance of this variant cannot be determined with certainty at this time. This variant is classified as a variant of uncertain significance.

Literature cited by the submitters: PubMed 25186627 (cited by 4 submitters); PubMed 34326862 (cited by Women's Health and Genetics/Laboratory Corporation of America, LabCorp and Quest Diagnostics Nichols Institute San Juan Capistrano); PubMed 32832836 (cited by Quest Diagnostics Nichols Institute San Juan Capistrano).